The following is an entry in ClinVar:

ClinVar aggregate classification (germline): Uncertain significance. Review status: criteria provided, multiple submitters, no conflicts (2 of 4 stars). 3 submissions from 3 submitters: Uncertain significance (3). Last evaluated 2025-12-14.

Conditions:
Long QT syndrome (LQTS). Identifiers: MedGen C0023976, MeSH D008133, MONDO:0002442. Disease mechanism: loss of function. Inheritance: Various modes of inheritance.
Cardiovascular phenotype. Identifiers: MedGen CN230736.
Hypertrophic cardiomyopathy. Also called: HYPERTROPHIC MYOCARDIOPATHY. Identifiers: Orphanet 217569, MedGen C0007194, MeSH D002312, MONDO:0005045, HP:0001639.

Allele frequency attached by ClinVar (database versions not stated): gnomAD exomes 0.00001; gnomAD 0.00002; TOPMed 0.00002.

Submissions (4):

Labcorp Genetics (formerly Invitae), Labcorp
Classification: Uncertain significance for Long QT syndrome. Last evaluated: 2025-12-14. Review status: criteria provided, single submitter. Criteria: Invitae Variant Classification Sherloc (09022015). Collection method: clinical testing. Allele origin: germline.
Comment: This sequence change replaces aspartic acid, which is acidic and polar, with glutamic acid, which is acidic and polar, at codon 91 of the KCNE1 protein (p.Asp91Glu). This variant is present in population databases (no rsID available, gnomAD 0.0009%). This missense change has been observed in individual(s) with long QT syndrome (PMID: 24217263). ClinVar contains an entry for this variant (Variation ID: 427969). Invitae Evidence Modeling of protein sequence and biophysical properties (such as structural, functional, and spatial information, amino acid conservation, physicochemical variation, residue mobility, and thermodynamic stability) has been performed for this missense variant. However, the output from this modeling did not meet the statistical confidence thresholds required to predict the impact of this variant on KCNE1 protein function. Experimental studies are conflicting or provide insufficient evidence to determine the effect of this variant on KCNE1 function (PMID: 38816749). In summary, the available evidence is currently insufficient to determine the role of this variant in disease. Therefore, it has been classified as a Variant of Uncertain Significance.

Ambry Genetics
Classification: Uncertain significance for Cardiovascular phenotype. Last evaluated: 2025-01-13. Review status: criteria provided, single submitter. Criteria: Ambry Variant Classification Scheme 2023. Collection method: clinical testing. Allele origin: germline.
Comment: The p.D91E variant (also known as c.273C>G), located in coding exon 1 of the KCNE1 gene, results from a C to G substitution at nucleotide position 273. The aspartic acid at codon 91 is replaced by glutamic acid, an amino acid with highly similar properties. This variant co-occurred with a KCNQ1 mutation in an individual from a long QT syndrome cohort (Hedley PL et al. Cardiovasc J Afr, 2013 Jul;24:231-7). This variant was also reported in an arrhythmia/cardiomyopathy cohort (Robyns T et al. Eur J Hum Genet, 2017 Dec;25:1313-1323). This amino acid position is well conserved in available vertebrate species. In addition, this alteration is predicted to be tolerated by in silico analysis. Since supporting evidence is limited at this time, the clinical significance of this alteration remains unclear.

Center for Human Genetics, University of Leuven
Classification: Uncertain significance for Hypertrophic cardiomyopathy. Last evaluated: 2017-04-30. Review status: criteria provided, single submitter. Criteria: ACMG Guidelines, 2015. Collection method: clinical testing. Allele origin: germline. Inheritance: Autosomal dominant inheritance. Affected: yes.

Roden Lab, Vanderbilt University Medical Center
No classification provided (evidence only). Condition: Long QT syndrome 5. Review status: no classification provided. Collection method: in vitro. Allele origin: not applicable. Functional consequence: Effect on ion channel function. Not counted in ClinVar's aggregate classification.
ClinVar note: "not provided" was previously submitted as the classification for the variant. However, the classification appeared to be based only on an observation of functional data so it was converted to no classification on 2025-07-30.

Literature cited by the submitters: PubMed 24217263 (cited by Labcorp Genetics (formerly Invitae), Labcorp and Ambry Genetics); PubMed 38816749 (cited by Labcorp Genetics (formerly Invitae), Labcorp); PubMed 29255176 (cited by Ambry Genetics).

NM_000219.6(KCNE1):c.273C>G (p.Asp91Glu)

Gene: KCNE1 (potassium voltage-gated channel subfamily E regulatory subunit 1; minus strand). Cytogenetic location: 21q22.12.
Variant type: single nucleotide variant.
Coding change: c.273C>G on transcript NM_000219.6 (MANE Select); coding-DNA position 273, C replaced by G.
Protein change: p.Asp91Glu; replaces aspartic acid 91 with glutamic acid.
Molecular consequence: missense variant.
Genome position (GRCh38, 1-based): chr21:34,449,362, G>C on the plus strand (C>G on the coding strand, the complement: KCNE1 is on the minus strand). VCF-style: chr21-34449362-G-C. GRCh37 (hg19) VCF-style: chr21-35821660-G-C.
Other names: c.273C>G, p.Asp91Glu (NM_001127668.4, NM_001127669.4, NM_001127670.4 and 4 more transcripts); short protein forms D91E.
Identifiers: ClinVar variation 427969 (VCV000427969.9), dbSNP rs146614850, ClinGen allele CA320425197.